The following is an entry in ClinVar:

NM_004371.4(COPA):c.514C>G (p.Leu172Val)

Gene: COPA (coat protein complex I subunit alpha; minus strand). Cytogenetic location: 1q23.2.
Variant type: single nucleotide variant.
Coding change: c.514C>G on transcript NM_004371.4 (MANE Select); coding-DNA position 514, C replaced by G.
Protein change: p.Leu172Val; replaces leucine 172 with valine.
Molecular consequence: missense variant.
Genome position (GRCh38, 1-based): chr1:160,325,635, G>C on the plus strand (C>G on the coding strand, the complement: COPA is on the minus strand). VCF-style: chr1-160325635-G-C. GRCh37 (hg19) VCF-style: chr1-160295425-G-C.
Other names: c.514C>G, p.Leu172Val (NM_001098398.2); short protein forms L172V.
Identifiers: ClinVar variation 3643805 (VCV003643805.2).

ClinVar aggregate classification (germline): Uncertain significance (1 of 4 stars; one submission).

Conditions:
Autoimmune interstitial lung disease-arthritis syndrome. Also called: Autoinflammation and autoimmunity, systemic, with immune dysregulation. Identifiers: Orphanet 444092, MedGen C5975714, MONDO:0014629.

gnomAD v4.1: 4 of 1,614,120 alleles (0.00025%); highest among the groups gnomAD compares: South Asian, 0.0033%; no homozygotes.

Submission:

Labcorp Genetics (formerly Invitae), Labcorp
Classification: Uncertain significance for Autoimmune interstitial lung disease-arthritis syndrome. Last evaluated: 2024-03-01. Review status: criteria provided, single submitter. Criteria: Invitae Variant Classification Sherloc (09022015). Collection method: clinical testing. Allele origin: germline.
Comment: This sequence change replaces leucine, which is neutral and non-polar, with valine, which is neutral and non-polar, at codon 172 of the COPA protein (p.Leu172Val). This variant is not present in population databases (gnomAD no frequency). This variant has not been reported in the literature in individuals affected with COPA-related conditions. Advanced modeling of protein sequence and biophysical properties (such as structural, functional, and spatial information, amino acid conservation, physicochemical variation, residue mobility, and thermodynamic stability) performed at Invitae indicates that this missense variant is not expected to disrupt COPA protein function with a negative predictive value of 80%. In summary, the available evidence is currently insufficient to determine the role of this variant in disease. Therefore, it has been classified as a Variant of Uncertain Significance.